The following is an entry in ClinVar:

NM_004187.5(KDM5C):c.4406G>T (p.Gly1469Val)

Gene: KDM5C (lysine demethylase 5C; minus strand). Cytogenetic location: Xp11.22.
Variant type: single nucleotide variant.
Coding change: c.4406G>T on transcript NM_004187.5 (MANE Select); coding-DNA position 4406, G replaced by T.
Protein change: p.Gly1469Val; replaces glycine 1469 with valine.
Molecular consequence: missense variant. On other transcripts: intron variant (5).
Genome position (GRCh38, 1-based): chrX:53,193,244, C>A on the plus strand (G>T on the coding strand, the complement: KDM5C is on the minus strand). VCF-style: chrX-53193244-C-A. GRCh37 (hg19) VCF-style: chrX-53222426-C-A.
Other names: c.4403G>T, p.Gly1468Val (NM_001282622.3); c.4397G>T, p.Gly1466Val (NM_001353978.3); c.4305+193G>T (NM_001353982.2); c.4314+193G>T (NM_001353979.2); c.4308+193G>T (NM_001353981.2, NM_001353984.2); c.4046+254G>T (NM_001146702.2); short protein forms G1466V, G1468V, G1469V.
Identifiers: ClinVar variation 985736 (VCV000985736.12), dbSNP rs1428371887, ClinGen allele CA413104741.

ClinVar aggregate classification (germline): Conflicting classifications of pathogenicity. Review status: criteria provided, conflicting classifications (1 of 4 stars). 2 submissions from 2 submitters: Uncertain significance (1); Likely benign (1). Last evaluated 2026-05-19.

Conditions:
Inborn genetic diseases. Identifiers: MedGen C0950123, MeSH D030342.
Spastic paraplegia. Identifiers: MedGen C0037772, HP:0001258.

Allele frequency attached by ClinVar (database versions not stated): gnomAD exomes 0.00001; TOPMed 0.00003; gnomAD 0.00002.
gnomAD v4.1: 12 of 1,206,983 alleles (0.00099%); highest among the groups gnomAD compares: Non-Finnish European, 0.0013%; no homozygotes.

Submissions (2):

Ambry Genetics
Classification: Likely benign for Inborn genetic diseases. Last evaluated: 2026-05-19. Review status: criteria provided, single submitter. Criteria: Ambry Variant Classification Scheme 2023. Collection method: clinical testing. Allele origin: germline.

Labcorp Genetics (formerly Invitae), Labcorp
Classification: Uncertain significance for Spastic paraplegia. Last evaluated: 2024-05-15. Review status: criteria provided, single submitter. Criteria: Invitae Variant Classification Sherloc (09022015). Collection method: clinical testing. Allele origin: germline.
Comment: This sequence change replaces glycine, which is neutral and non-polar, with valine, which is neutral and non-polar, at codon 1469 of the KDM5C protein (p.Gly1469Val). This variant is not present in population databases (gnomAD no frequency). This variant has not been reported in the literature in individuals affected with KDM5C-related conditions. ClinVar contains an entry for this variant (Variation ID: 985736). Advanced modeling of protein sequence and biophysical properties (such as structural, functional, and spatial information, amino acid conservation, physicochemical variation, residue mobility, and thermodynamic stability) performed at Invitae indicates that this missense variant is not expected to disrupt KDM5C protein function with a negative predictive value of 95%. In summary, the available evidence is currently insufficient to determine the role of this variant in disease. Therefore, it has been classified as a Variant of Uncertain Significance.